The following is an entry in ClinVar:

NM_021098.3(CACNA1H):c.3610C>A (p.Leu1204Met)

Gene: CACNA1H (calcium voltage-gated channel subunit alpha1 H; plus strand). Cytogenetic location: 16p13.3.
Variant type: single nucleotide variant.
Coding change: c.3610C>A on transcript NM_021098.3 (MANE Select); coding-DNA position 3610, C replaced by A.
Protein change: p.Leu1204Met; replaces leucine 1204 with methionine.
Molecular consequence: missense variant.
Genome position (GRCh38, 1-based): chr16:1,209,278, C>A. VCF-style: chr16-1209278-C-A. GRCh37 (hg19) VCF-style: chr16-1259278-C-A.
Other names: c.3610C>A, p.Leu1204Met (NM_001005407.2); short protein forms L1204M.
Identifiers: ClinVar variation 3756472 (VCV003756472.2).

ClinVar aggregate classification (germline): Uncertain significance (1 of 4 stars; one submission).

Conditions:
Idiopathic generalized epilepsy. Also called: EIG; Generalised epilepsy. Identifiers: MedGen C0270850, MONDO:0005579, OMIM 600669.
Hyperaldosteronism, familial, type IV (HALD4). Also called: FH IV; ALDOSTERONISM, PRIMARY, AND HYPERTENSION. Identifiers: Orphanet 642671, MedGen C4310756, MONDO:0014875, OMIM 617027.

Submission:

Labcorp Genetics (formerly Invitae), Labcorp
Classification: Uncertain significance for Idiopathic generalized epilepsy; Hyperaldosteronism, familial, type IV. Last evaluated: 2024-05-21. Review status: criteria provided, single submitter. Criteria: Invitae Variant Classification Sherloc (09022015). Collection method: clinical testing. Allele origin: germline.
Comment: This sequence change replaces leucine, which is neutral and non-polar, with methionine, which is neutral and non-polar, at codon 1204 of the CACNA1H protein (p.Leu1204Met). This variant is not present in population databases (gnomAD no frequency). This variant has not been reported in the literature in individuals affected with CACNA1H-related conditions. Advanced modeling of protein sequence and biophysical properties (such as structural, functional, and spatial information, amino acid conservation, physicochemical variation, residue mobility, and thermodynamic stability) performed at Invitae indicates that this missense variant is not expected to disrupt CACNA1H protein function with a negative predictive value of 80%. In summary, the available evidence is currently insufficient to determine the role of this variant in disease. Therefore, it has been classified as a Variant of Uncertain Significance.